The following is an entry in ClinVar:

ClinVar aggregate classification (germline): Uncertain significance (1 of 4 stars; one submission).

Conditions:
TTC36-related tyrosinemia.

Submission:

Lupski Lab, Baylor-Hopkins CMG, Baylor College of Medicine
Classification: Uncertain significance for TTC36-related tyrosinemia. Last evaluated: 2026-11-06. Review status: criteria provided, single submitter. Criteria: ACMG Guidelines, 2015. Collection method: research. Allele origin: maternal. Inheritance: Autosomal recessive inheritance. Affected: yes. Observed: 2 variant alleles, 2 compound heterozygotes. Clinical features observed: Hypertyrosinemia (HP:0003231).
Comment: Identified by research long-read genome sequencing in the compound heterozygous state with NM_001080441.4:c.512G>C p.(Cys171Ser) in two siblings with persistent, isolated hypertyrosinemia and normal succinylacetone. Phase was confirmed by Sanger sequencing of the parents and long-read genome sequencing. This variant was inherited from the unaffected mother and the missense variant from the unaffected father, consistent with autosomal recessive inheritance. The variant is rare in gnomAD v4.1 (allele frequency 4.74 x 10-6) with no homozygotes reported, and is observed exclusively in individuals of Admixed American ancestry; it is present at higher frequency in the Mexico City Prospective Study, exclusively among individuals of Indigenous Mexican ancestry, raising the possibility of a founder allele (PM2_Supporting +1). The deletion removes six residues forming the turn between consecutive helices of the TPR solenoid (AlphaFold pLDDT 92.8), spanning the annotated TPR2–TPR3 junction, which would be predicted to alter the relative geometry of the flanking repeats (PM4 +2). It lies within a GC-rich tract flanked by a 3 bp direct repeat. TTC36 is not currently an established Mendelian disease gene; this variant is therefore classified as a variant of uncertain significance.

NM_001080441.4(TTC36):c.353_370del (p.Arg118_Arg123del)

Genes: TTC36 (tetratricopeptide repeat domain 36; plus strand), TTC36-AS1 (TTC36 and KMT2A antisense RNA 1; minus strand), LOC130006846 (ATAC-STARR-seq lymphoblastoid silent region 3945; plus strand). Cytogenetic location: 11q23.3.
Variant type: Deletion.
Coding change: c.353_370del on transcript NM_001080441.4 (MANE Select); coding-DNA positions 353 to 370, 18 bases deleted (GGGGCCGCGCCGCCCGCC).
Protein change: p.Arg118_Arg123del.
Molecular consequence: inframe deletion. On other transcripts: non-coding transcript variant (4).
Genome position (GRCh38, 1-based): chr11:118,530,699-118,530,716, GGGGCCGCGCCGCCCGCC deleted; deleting any 18 consecutive bases within chr11:118,530,696-118,530,716 gives the same sequence; the c. name uses the placement nearest the transcript's 3' end. VCF-style (leftmost placement, unchanged base first): chr11-118530695-GGCCGGGGCCGCGCCGCCC-G. GRCh37 (hg19) VCF-style: chr11-118401410-GGCCGGGGCCGCGCCGCCC-G.
Other names: c.176_193del, p.Arg59_Arg64del (NM_001346096.2, NM_001346097.2); c.77_94del, p.Arg26_Arg31del (NM_001346098.2).
Identifiers: ClinVar variation 5043383 (VCV005043383.1).